The following is an entry in ClinVar:

ClinVar aggregate classification (germline): Uncertain significance (1 of 4 stars; one submission).

Conditions:
Noonan syndrome 9 (NS9). Identifiers: Orphanet 648, MedGen C4225282, MONDO:0014691, OMIM 616559.

Allele frequency attached by ClinVar (database versions not stated): gnomAD exomes below 0.00001.

Submission:

Labcorp Genetics (formerly Invitae), Labcorp
Classification: Uncertain significance for Noonan syndrome 9. Last evaluated: 2024-09-05. Review status: criteria provided, single submitter. Criteria: Invitae Variant Classification Sherloc (09022015). Collection method: clinical testing. Allele origin: germline.
Comment: This sequence change replaces arginine, which is basic and polar, with glutamine, which is neutral and polar, at codon 457 of the SOS2 protein (p.Arg457Gln). This variant is not present in population databases (gnomAD no frequency). This variant has not been reported in the literature in individuals affected with SOS2-related conditions. Invitae Evidence Modeling of protein sequence and biophysical properties (such as structural, functional, and spatial information, amino acid conservation, physicochemical variation, residue mobility, and thermodynamic stability) indicates that this missense variant is expected to disrupt SOS2 protein function with a positive predictive value of 95%. In summary, the available evidence is currently insufficient to determine the role of this variant in disease. Therefore, it has been classified as a Variant of Uncertain Significance.

NM_006939.4(SOS2):c.1370G>A (p.Arg457Gln)

Gene: SOS2 (SOS Ras/Rho guanine nucleotide exchange factor 2; minus strand). Cytogenetic location: 14q21.3.
Variant type: single nucleotide variant.
Coding change: c.1370G>A on transcript NM_006939.4 (MANE Select); coding-DNA position 1370, G replaced by A.
Protein change: p.Arg457Gln; replaces arginine 457 with glutamine.
Molecular consequence: missense variant.
Genome position (GRCh38, 1-based): chr14:50,159,913, C>T on the plus strand (G>A on the coding strand, the complement: SOS2 is on the minus strand). VCF-style: chr14-50159913-C-T. GRCh37 (hg19) VCF-style: chr14-50626631-C-T.
Other names: c.1271G>A, p.Arg424Gln (NM_001411020.1); short protein forms R457Q, R424Q.
Identifiers: ClinVar variation 2954577 (VCV002954577.3), dbSNP rs1884940344, ClinGen allele CA389645938.